The following is an entry in ClinVar:

ClinVar aggregate classification (germline): Uncertain significance (1 of 4 stars; one submission).

Conditions:
Epileptic encephalopathy. Identifiers: MedGen C0543888, HP:0200134.

Allele frequency attached by ClinVar (database versions not stated): TOPMed 0.00001; gnomAD exomes 0.00005 and 0.00003; ExAC 0.00008; gnomAD 0.00002.
gnomAD v4.1: 39 of 1,612,400 alleles (0.0024%); highest among the groups gnomAD compares: South Asian, 0.023%; no homozygotes.

Submission:

Labcorp Genetics (formerly Invitae), Labcorp
Classification: Uncertain significance for Epileptic encephalopathy. Last evaluated: 2022-07-06. Review status: criteria provided, single submitter. Criteria: Invitae Variant Classification Sherloc (09022015). Collection method: clinical testing. Allele origin: germline.
Comment: In summary, the available evidence is currently insufficient to determine the role of this variant in disease. Therefore, it has been classified as a Variant of Uncertain Significance. Algorithms developed to predict the effect of missense changes on protein structure and function are either unavailable or do not agree on the potential impact of this missense change (SIFT: "Deleterious"; PolyPhen-2: "Probably Damaging"; Align-GVGD: "Class C0"). ClinVar contains an entry for this variant (Variation ID: 530979). This variant has not been reported in the literature in individuals affected with FASN-related conditions. This variant is present in population databases (rs774656123, gnomAD 0.03%). This sequence change replaces arginine, which is basic and polar, with tryptophan, which is neutral and slightly polar, at codon 49 of the FASN protein (p.Arg49Trp).

NM_004104.5(FASN):c.145C>T (p.Arg49Trp)

Gene: FASN (fatty acid synthase; minus strand). Cytogenetic location: 17q25.3.
Variant type: single nucleotide variant.
Coding change: c.145C>T on transcript NM_004104.5 (MANE Select); coding-DNA position 145, C replaced by T.
Protein change: p.Arg49Trp; replaces arginine 49 with tryptophan.
Molecular consequence: missense variant.
Genome position (GRCh38, 1-based): chr17:82,095,455, G>A on the plus strand (C>T on the coding strand, the complement: FASN is on the minus strand). VCF-style: chr17-82095455-G-A. GRCh37 (hg19) VCF-style: chr17-80053331-G-A.
Other names: short protein forms R49W.
Identifiers: ClinVar variation 530979 (VCV000530979.10), dbSNP rs774656123, ClinGen allele CA8853641.
Genomic context (GRCh38, chr17:82,095,455, plus strand): 5'-GGTGGACTCCGAAGAAGGAGGCATCAAACCTAGACAGGTCCTTCAGCTTGCCGGACCGCC[G>A]GGGCAGGCCGTAGAGCCCTGTGGGACAGGCGGGTGTTTAAATCTCTGACGGAAGCTGCCC-3'
Protein context (NP_004095.4, residues 39-59): RWKAGLYGLP[Arg49Trp]RSGKLKDLSR